The following is an entry in ClinVar:

ClinVar aggregate classification (germline): Uncertain significance (1 of 4 stars; one submission).

Conditions:
Cardiovascular phenotype. Identifiers: MedGen CN230736.

Allele frequency attached by ClinVar (database versions not stated): gnomAD exomes 0.00002; ExAC 0.00004.
gnomAD v4.1: 22 of 1,612,548 alleles (0.0014%); highest among the groups gnomAD compares: South Asian, 0.023%; no homozygotes.

Submission:

Ambry Genetics
Classification: Uncertain significance for Cardiovascular phenotype. Last evaluated: 2025-01-19. Review status: criteria provided, single submitter. Criteria: Ambry Variant Classification Scheme 2023. Collection method: clinical testing. Allele origin: germline.
Comment: The p.D3040G variant (also known as c.9119A>G), located in coding exon 26 of the TNXB gene, results from an A to G substitution at nucleotide position 9119. The aspartic acid at codon 3040 is replaced by glycine, an amino acid with similar properties. This amino acid position is conserved. In addition, this alteration is predicted to be tolerated by in silico analysis. Since supporting evidence is limited at this time, the clinical significance of this alteration remains unclear.

NM_001365276.2(TNXB):c.9125A>G (p.Asp3042Gly)

Gene: TNXB (tenascin XB; minus strand). Cytogenetic location: 6p21.33.
Variant type: single nucleotide variant.
Coding change: c.9125A>G on transcript NM_001365276.2 (MANE Select); coding-DNA position 9125, A replaced by G.
Protein change: p.Asp3042Gly; replaces aspartic acid 3042 with glycine.
Molecular consequence: missense variant.
Genome position (GRCh38, 1-based): chr6:32,050,312, T>C on the plus strand (A>G on the coding strand, the complement: TNXB is on the minus strand). VCF-style: chr6-32050312-T-C. GRCh37 (hg19) VCF-style: chr6-32018089-T-C.
Other names: c.9119A>G, p.Asp3040Gly (NM_019105.8); short protein forms D3040G, D3042G.
Identifiers: ClinVar variation 1765862 (VCV001765862.3), dbSNP rs779979414, ClinGen allele CA3733623.